The following is an entry in ClinVar:

NM_001142966.3(GREB1L):c.4864G>C (p.Val1622Leu)

Gene: GREB1L (GREB1 like retinoic acid receptor coactivator; plus strand). Cytogenetic location: 18q11.2.
Variant type: single nucleotide variant.
Coding change: c.4864G>C on transcript NM_001142966.3 (MANE Select); coding-DNA position 4864, G replaced by C.
Protein change: p.Val1622Leu; replaces valine 1622 with leucine.
Molecular consequence: missense variant.
Genome position (GRCh38, 1-based): chr18:21,513,949, G>C. VCF-style: chr18-21513949-G-C. GRCh37 (hg19) VCF-style: chr18-19093910-G-C.
Other names: c.4993G>C, p.Val1665Leu (NM_001410867.1); c.4537G>C, p.Val1513Leu (NM_001410868.1); short protein forms V1513L, V1622L, V1665L.
Identifiers: ClinVar variation 2704051 (VCV002704051.3), dbSNP rs2511993700, ClinGen allele CA401732077.
Genomic context (GRCh38, chr18:21,513,949, plus strand): 5'-GAGCTAGGCATTAAACGCCAGTGTGTCTGGCCTTTCATCGTCATGATGGATGACTCATGT[G>C]TCCTATGGAACATTCACAGTGTTCAGGAGCCATCCAGGTAGACTTCCAAGCTGGGGGCGT-3'
Protein context (NP_001136438.1, residues 1612-1632): PFIVMMDDSC[Val1622Leu]LWNIHSVQEP

ClinVar aggregate classification (germline): Uncertain significance (1 of 4 stars; one submission).

Submission:

Labcorp Genetics (formerly Invitae), Labcorp
Classification: Uncertain significance. Last evaluated: 2023-12-19. Review status: criteria provided, single submitter. Criteria: Invitae Variant Classification Sherloc (09022015). Collection method: clinical testing. Allele origin: germline.
Comment: This sequence change replaces valine, which is neutral and non-polar, with leucine, which is neutral and non-polar, at codon 1622 of the GREB1L protein (p.Val1622Leu). This variant is not present in population databases (gnomAD no frequency). This variant has not been reported in the literature in individuals affected with GREB1L-related conditions. An algorithm developed to predict the effect of missense changes on protein structure and function (PolyPhen-2) suggests that this variant is likely to be disruptive. In summary, the available evidence is currently insufficient to determine the role of this variant in disease. Therefore, it has been classified as a Variant of Uncertain Significance.